The following is an entry in ClinVar:

ClinVar aggregate classification (germline): Pathogenic. Review status: criteria provided, multiple submitters, no conflicts (2 of 4 stars). 3 submissions from 3 submitters: Pathogenic (2). 1 of the submissions does not count toward it. Last evaluated 2025-02-14.

Conditions:
Tuberous sclerosis syndrome (TSC). Also called: Tuberous Sclerosis Complex; Tuberous sclerosis. Identifiers: Orphanet 805, MedGen C0041341, MONDO:0001734.
Tuberous sclerosis 1 (TSC1). Identifiers: Orphanet 805, MedGen C1854465, MONDO:0008612, OMIM 191100.

Submissions (3):

Labcorp Genetics (formerly Invitae), Labcorp
Classification: Pathogenic for Tuberous sclerosis 1. Last evaluated: 2025-02-14. Review status: criteria provided, single submitter. Criteria: Invitae Variant Classification Sherloc (09022015). Collection method: clinical testing. Allele origin: germline.
Comment: This sequence change creates a premature translational stop signal (p.Trp676*) in the TSC1 gene. It is expected to result in an absent or disrupted protein product. Loss-of-function variants in TSC1 are known to be pathogenic (PMID: 10227394, 17304050). This variant is not present in population databases (gnomAD no frequency). This premature translational stop signal has been observed in individual(s) with tuberous sclerosis complex (PMID: 10570911). ClinVar contains an entry for this variant (Variation ID: 48874). For these reasons, this variant has been classified as Pathogenic.

Institute of Human Genetics, University of Leipzig Medical Center
Classification: Pathogenic for Tuberous sclerosis 1. Last evaluated: 2023-08-16. Review status: criteria provided, single submitter. Criteria: ACMG Guidelines, 2015. Collection method: clinical testing. Allele origin: unknown. Inheritance: Autosomal dominant inheritance. Affected: yes.
Comment: Criteria applied: PVS1,PS4_MOD,PM2_SUP

Tuberous sclerosis database (TSC1)
No classification provided. Condition: TSC. Review status: no classification provided. Criteria: Tuberous Sclerosis Database Assertion Criteria 2015. Collection method: curation. Allele origin: germline. Affected: yes. Not counted in ClinVar's aggregate classification.

Literature cited by the submitters: PubMed 10227394 (cited by Labcorp Genetics (formerly Invitae), Labcorp); PubMed 17304050 (cited by Labcorp Genetics (formerly Invitae), Labcorp); PubMed 10570911 (cited by Labcorp Genetics (formerly Invitae), Labcorp).

NM_000368.5(TSC1):c.2028G>A (p.Trp676Ter)

Gene: TSC1 (TSC complex subunit 1; minus strand). Cytogenetic location: 9q34.13.
Variant type: single nucleotide variant.
Coding change: c.2028G>A on transcript NM_000368.5 (MANE Select); coding-DNA position 2028, G replaced by A.
Protein change: p.Trp676Ter; replaces tryptophan 676 with a stop codon.
Molecular consequence: nonsense.
Genome position (GRCh38, 1-based): chr9:132,904,424, C>T on the plus strand (G>A on the coding strand, the complement: TSC1 is on the minus strand). VCF-style: chr9-132904424-C-T. GRCh37 (hg19) VCF-style: chr9-135779811-C-T.
Other names: c.2025G>A, p.Trp675Ter (NM_001162426.2); c.1875G>A, p.Trp625Ter (NM_001162427.2); c.1665G>A, p.Trp555Ter (NM_001362177.2); short protein forms W676*, W555*, W625*, W675*.
Identifiers: ClinVar variation 48874 (VCV000048874.5), dbSNP rs118203621, ClinGen allele CA005793.